The following is an entry in ClinVar:

ClinVar aggregate classification (germline): Uncertain significance. Review status: criteria provided, multiple submitters, no conflicts (2 of 4 stars). 3 submissions from 3 submitters: Uncertain significance (3). Last evaluated 2025-11-19.

Allele frequency attached by ClinVar (database versions not stated): gnomAD 0.00005; TOPMed 0.00008.

Submissions (3):

Labcorp Genetics (formerly Invitae), Labcorp
Classification: Uncertain significance. Last evaluated: 2025-11-19. Review status: criteria provided, single submitter. Criteria: Invitae Variant Classification Sherloc (09022015). Collection method: clinical testing. Allele origin: germline.
Comment: This sequence change replaces methionine, which is neutral and non-polar, with isoleucine, which is neutral and non-polar, at codon 179 of the KIF23 protein (p.Met179Ile). This variant is present in population databases (no rsID available, gnomAD 0.0009%). This variant has not been reported in the literature in individuals affected with KIF23-related conditions. ClinVar contains an entry for this variant (Variation ID: 1988895). An algorithm developed to predict the effect of missense changes on protein structure and function outputs the following: PolyPhen-2: "Benign". The isoleucine amino acid residue is found in multiple mammalian species, which suggests that this missense change does not adversely affect protein function. In summary, the available evidence is currently insufficient to determine the role of this variant in disease. Therefore, it has been classified as a Variant of Uncertain Significance.

Revvity Omics, Revvity
Classification: Uncertain significance. Last evaluated: 2024-11-26. Review status: criteria provided, single submitter. Criteria: ACMG Guidelines, 2015. Collection method: clinical testing. Allele origin: germline.

Ambry Genetics
Classification: Uncertain significance. Last evaluated: 2024-07-10. Review status: criteria provided, single submitter. Criteria: Ambry Variant Classification Scheme 2023. Collection method: clinical testing. Allele origin: germline.

NM_001367805.3(KIF23):c.537G>A (p.Met179Ile)

Gene: KIF23 (kinesin family member 23; plus strand). Cytogenetic location: 15q23.
Variant type: single nucleotide variant.
Coding change: c.537G>A on transcript NM_001367805.3 (MANE Select); coding-DNA position 537, G replaced by A.
Protein change: p.Met179Ile; replaces methionine 179 with isoleucine.
Molecular consequence: missense variant. On other transcripts: non-coding transcript variant (2).
Genome position (GRCh38, 1-based): chr15:69,422,409, G>A. VCF-style: chr15-69422409-G-A. GRCh37 (hg19) VCF-style: chr15-69714748-G-A.
Other names: c.537G>A (NM_138555.2); c.207G>A, p.Met69Ile (NM_001281301.2); c.537G>A, p.Met179Ile (NM_001367804.2, NM_004856.7, NM_138555.4); short protein forms M179I, M69I.
Identifiers: ClinVar variation 1988895 (VCV001988895.8), dbSNP rs888948017, ClinGen allele CA272516404.